The following is an entry in ClinVar:

ClinVar aggregate classification (germline): Conflicting classifications of pathogenicity. Review status: criteria provided, conflicting classifications (1 of 4 stars). 3 submissions from 3 submitters: Uncertain significance (2); Benign (1). Last evaluated 2024-12-05.

Conditions:
Primary ciliary dyskinesia. Also called: Ciliary dyskinesia. Identifiers: Orphanet 244, MedGen C0008780, MONDO:0016575, HP:0012265.

Allele frequency attached by ClinVar (database versions not stated): gnomAD 0.00005; TOPMed 0.00005; ExAC 0.00006; ESP Exome Variant Server 0.00008; gnomAD exomes 0.00008.
gnomAD v4.1: 120 of 1,563,934 alleles (0.0077%); highest among the groups gnomAD compares: Non-Finnish European, 0.0096%; no homozygotes.

Submissions (3):

Labcorp Genetics (formerly Invitae), Labcorp
Classification: Benign for Primary ciliary dyskinesia. Last evaluated: 2024-12-05. Review status: criteria provided, single submitter. Criteria: Invitae Variant Classification Sherloc (09022015). Collection method: clinical testing. Allele origin: germline.

Blueprint Genetics
Classification: Uncertain significance. Last evaluated: 2022-03-17. Review status: criteria provided, single submitter. Criteria: ACMG Guidelines, 2015. Collection method: clinical testing. Allele origin: germline.

Ambry Genetics
Classification: Uncertain significance for Primary ciliary dyskinesia. Last evaluated: 2021-11-29. Review status: criteria provided, single submitter. Criteria: Ambry Variant Classification Scheme 2023. Collection method: clinical testing. Allele origin: germline.
Comment: The p.T3109S variant (also known as c.9325A>T), located in coding exon 56 of the DNAH11 gene, results from an A to T substitution at nucleotide position 9325. The threonine at codon 3109 is replaced by serine, an amino acid with similar properties. This amino acid position is conserved. In addition, the in silico prediction for this alteration is inconclusive. Since supporting evidence is limited at this time, the clinical significance of this alteration remains unclear.

NM_001277115.2(DNAH11):c.9325A>T (p.Thr3109Ser)

Gene: DNAH11 (dynein axonemal heavy chain 11; plus strand). Cytogenetic location: 7p15.3.
Variant type: single nucleotide variant.
Coding change: c.9325A>T on transcript NM_001277115.2 (MANE Select); coding-DNA position 9325, A replaced by T.
Protein change: p.Thr3109Ser; replaces threonine 3109 with serine.
Molecular consequence: missense variant.
Genome position (GRCh38, 1-based): chr7:21,773,988, A>T. VCF-style: chr7-21773988-A-T. GRCh37 (hg19) VCF-style: chr7-21813606-A-T.
Other names: c.9346A>T, p.Thr3116Ser (NM_003777.3); short protein forms T3109S, T3116S.
Identifiers: ClinVar variation 1766576 (VCV001766576.8), dbSNP rs202139668, ClinGen allele CA4181925.
Genomic context (GRCh38, chr7:21,773,988, plus strand): 5'-CAAAATGAGGTATCCGAGAAAAAAGAACGCCTGGTGAACGGCATCCAAAAGCTAAAAACC[A>T]CAGCCTCTCAGGTATGACCAGGATGTGTTATTACTGAGTAATATTTATGCTGTTTAACAG-3'
Protein context (NP_001264044.1, residues 3099-3119): LVNGIQKLKT[Thr3109Ser]ASQVGDLKAR